The following is an entry in ClinVar:

ClinVar aggregate classification (germline): Uncertain significance. Review status: criteria provided, multiple submitters, no conflicts (2 of 4 stars). 2 submissions from 2 submitters: Uncertain significance (2). Last evaluated 2024-04-18.

Conditions:
Familial sleep-related hypermotor epilepsy. Also called: Autosomal Dominant Sleep-Related Hypermotor (Hyperkinetic) Epilepsy. Identifiers: Orphanet 98784, MedGen C3696898, MONDO:0000030.
Inborn genetic diseases. Identifiers: MedGen C0950123, MeSH D030342.

Submissions (2):

Labcorp Genetics (formerly Invitae), Labcorp
Classification: Uncertain significance. Last evaluated: 2024-04-18. Review status: criteria provided, single submitter. Criteria: Invitae Variant Classification Sherloc (09022015). Collection method: clinical testing. Allele origin: germline.
Comment: This sequence change creates a premature translational stop signal (p.Val135Serfs*5) in the CHRNA2 gene. It is expected to result in an absent or disrupted protein product. However, the current clinical and genetic evidence is not sufficient to establish whether loss-of-function variants in CHRNA2 cause disease. This variant is present in population databases (rs777391476, gnomAD 0.006%). This variant has not been reported in the literature in individuals affected with CHRNA2-related conditions. ClinVar contains an entry for this variant (Variation ID: 589813). In summary, the available evidence is currently insufficient to determine the role of this variant in disease. Therefore, it has been classified as a Variant of Uncertain Significance.

Ambry Genetics
Classification: Uncertain significance for Inborn genetic diseases. Last evaluated: 2016-03-22. Review status: criteria provided, single submitter. Criteria: Ambry Variant Classification Scheme 2023. Collection method: clinical testing. Allele origin: germline.
Comment: The c.403delG variant, located in coding exon 4 of the CHRNA2 gene, results from a deletion of one nucleotide at nucleotide position 403, causing a translational frameshift with a predicted alternate stop codon (p.V135SFS*5). This variant was not reported in population based cohorts in the following databases: Database of Single Nucleotide Polymorphisms (dbSNP), NHLBI Exome Sequencing Project (ESP), and 1000 Genomes Project. In the ESP, this variant was not observed in 6503 samples (13006 alleles) with coverage at this position. As neither this specific alteration nor loss of function as a mechanism of pathogenicity have been well-described in the CHRNA2 gene, the clinical significance of this variant remains unknown (ACMG Standards and guidelines for the interpretation of sequence variants. Genet Med. 2015;17(5):405-24).

NM_000742.4(CHRNA2):c.403del (p.Val135fs)

Gene: CHRNA2 (cholinergic receptor nicotinic alpha 2 subunit; minus strand). Cytogenetic location: 8p21.2.
Variant type: Deletion.
Coding change: c.403del on transcript NM_000742.4 (MANE Select); coding-DNA position 403, one base deleted (G; older notation c.403delG).
Protein change: p.Val135fs; shifts the reading frame from valine 135.
Molecular consequence: frameshift variant. On other transcripts: 5 prime UTR variant (4).
Genome position (GRCh38, 1-based): chr8:27,467,275, C deleted on the plus strand (G on the coding strand, the reverse complement: CHRNA2 is on the minus strand); the first of 3 consecutive C bases (chr8:27,467,275-27,467,277); deleting any one gives the same sequence. VCF-style (leftmost placement, unchanged base first): chr8-27467274-AC-A. GRCh37 (hg19) VCF-style: chr8-27324791-AC-A.
Other names: c.358del, p.Val120fs (NM_001282455.2); c.-70del (NM_001347705.2, NM_001347706.2); c.-56del (NM_001347707.2); c.-59del (NM_001347708.2); short protein forms V120fs, V135fs.
Identifiers: ClinVar variation 589813 (VCV000589813.10), dbSNP rs777391476, ClinGen allele CA4689677.